The following is an entry in ClinVar:

NM_001001331.4(ATP2B2):c.3059G>T (p.Arg1020Leu)

Gene: ATP2B2 (ATPase plasma membrane Ca2+ transporting 2; minus strand). Cytogenetic location: 3p25.3.
Variant type: single nucleotide variant.
Coding change: c.3059G>T on transcript NM_001001331.4 (MANE Select); coding-DNA position 3059, G replaced by T.
Protein change: p.Arg1020Leu; replaces arginine 1020 with leucine.
Molecular consequence: missense variant.
Genome position (GRCh38, 1-based): chr3:10,340,563, C>A on the plus strand (G>T on the coding strand, the complement: ATP2B2 is on the minus strand). VCF-style: chr3-10340563-C-A. GRCh37 (hg19) VCF-style: chr3-10382247-C-A.
Other names: c.2924G>T, p.Arg975Leu (NM_001330611.3, NM_001353564.1, NM_001363862.1 and 1 more transcripts); short protein forms R975L, R1020L.
Identifiers: ClinVar variation 1422934 (VCV001422934.6), dbSNP rs760285222, ClinGen allele CA351776256.

ClinVar aggregate classification (germline): Uncertain significance (1 of 4 stars; one submission).

gnomAD v4.1: 1 of 1,614,236 alleles (0.000062%); highest among the groups gnomAD compares: Non-Finnish European, 0.000085%; no homozygotes.

Submission:

Labcorp Genetics (formerly Invitae), Labcorp
Classification: Uncertain significance. Last evaluated: 2021-08-15. Review status: criteria provided, single submitter. Criteria: Invitae Variant Classification Sherloc (09022015). Collection method: clinical testing. Allele origin: germline.
Comment: Algorithms developed to predict the effect of missense changes on protein structure and function are either unavailable or do not agree on the potential impact of this missense change (SIFT: "Tolerated"; PolyPhen-2: "Probably Damaging"; Align-GVGD: "Class C0"). In summary, the available evidence is currently insufficient to determine the role of this variant in disease. Therefore, it has been classified as a Variant of Uncertain Significance. This variant has not been reported in the literature in individuals affected with ATP2B2-related conditions. This variant is not present in population databases (ExAC no frequency). This sequence change replaces arginine with leucine at codon 975 of the ATP2B2 protein (p.Arg975Leu). The arginine residue is highly conserved and there is a moderate physicochemical difference between arginine and leucine.